The following is an entry in ClinVar:

NM_001365308.1(BMPER):c.864G>T (p.Glu288Asp)

Gene: BMPER (BMP binding endothelial regulator; plus strand). Cytogenetic location: 7p14.3.
Variant type: single nucleotide variant.
Coding change: c.864G>T on transcript NM_001365308.1 (MANE Select); coding-DNA position 864, G replaced by T.
Protein change: p.Glu288Asp; replaces glutamic acid 288 with aspartic acid.
Molecular consequence: missense variant.
Genome position (GRCh38, 1-based): chr7:34,055,240, G>T. VCF-style: chr7-34055240-G-T. GRCh37 (hg19) VCF-style: chr7-34094852-G-T.
Other names: c.864G>T, p.Glu288Asp (NM_133468.5); short protein forms E288D.
Identifiers: ClinVar variation 1478009 (VCV001478009.6), dbSNP rs1475153405, ClinGen allele CA367257861.

ClinVar aggregate classification (germline): Uncertain significance (1 of 4 stars; one submission).

Allele frequency attached by ClinVar (database versions not stated): TOPMed below 0.00001.

Submission:

Labcorp Genetics (formerly Invitae), Labcorp
Classification: Uncertain significance. Last evaluated: 2021-07-29. Review status: criteria provided, single submitter. Criteria: Invitae Variant Classification Sherloc (09022015). Collection method: clinical testing. Allele origin: germline.
Comment: This sequence change replaces glutamic acid with aspartic acid at codon 288 of the BMPER protein (p.Glu288Asp). The glutamic acid residue is moderately conserved and there is a small physicochemical difference between glutamic acid and aspartic acid. This variant is not present in population databases (ExAC no frequency). This variant has not been reported in the literature in individuals affected with BMPER-related conditions. Algorithms developed to predict the effect of missense changes on protein structure and function output the following: SIFT: "Tolerated"; PolyPhen-2: "Benign"; Align-GVGD: "Class C0". The aspartic acid amino acid residue is found in multiple mammalian species, which suggests that this missense change does not adversely affect protein function. In summary, the available evidence is currently insufficient to determine the role of this variant in disease. Therefore, it has been classified as a Variant of Uncertain Significance.